The following is an entry in ClinVar:

ClinVar aggregate classification (germline): Likely pathogenic (1 of 4 stars; one submission).

Submission:

Labcorp Genetics (formerly Invitae), Labcorp
Classification: Likely pathogenic. Last evaluated: 2023-10-06. Review status: criteria provided, single submitter. Criteria: Invitae Variant Classification Sherloc (09022015). Collection method: clinical testing. Allele origin: germline.
Comment: This sequence change affects a donor splice site in intron 31 of the COL27A1 gene. It is expected to disrupt RNA splicing. Variants that disrupt the donor or acceptor splice site typically lead to a loss of protein function (PMID: 16199547), and loss-of-function variants in COL27A1 are known to be pathogenic (PMID: 24986830, 28276056). This variant is not present in population databases (gnomAD no frequency). This variant has not been reported in the literature in individuals affected with COL27A1-related conditions. Algorithms developed to predict the effect of sequence changes on RNA splicing suggest that this variant may disrupt the consensus splice site. In summary, the currently available evidence indicates that the variant is pathogenic, but additional data are needed to prove that conclusively. Therefore, this variant has been classified as Likely Pathogenic.

Literature cited by the submitters: PubMed 16199547; PubMed 24986830; PubMed 28276056.

NM_032888.4(COL27A1):c.3339+2T>C

Gene: COL27A1 (collagen type XXVII alpha 1 chain; plus strand). Cytogenetic location: 9q32.
Variant type: single nucleotide variant.
Coding change: c.3339+2T>C on transcript NM_032888.4 (MANE Select); the canonical splice donor site of the intron after coding-DNA position 3339, T replaced by C.
Molecular consequence: splice donor variant.
Genome position (GRCh38, 1-based): chr9:114,265,112, T>C. VCF-style: chr9-114265112-T-C. GRCh37 (hg19) VCF-style: chr9-117027392-T-C.
Identifiers: ClinVar variation 2766495 (VCV002766495.3), dbSNP rs2491399852, ClinGen allele CA374596544.
Genomic context (GRCh38, chr9:114,265,112, plus strand): 5'-ACATGTGCTTCCAGGGTGTGGCTGGTGAGCGAGGCCACTTGGGCTCGAGAGGCTTTCCTG[T>C]AAGTAGCACCAGTTCTTGAAATTCTCTACATGGGGCTTTTGATGGGGGTGGGGGGCGGGT-3'